The following is an entry in ClinVar:

NM_000257.4(MYH7):c.4701G>C (p.Gln1567His)

Genes: MHRT (myosin heavy chain associated RNA transcript; plus strand), MYH7 (myosin heavy chain 7; minus strand), LOC126861897 (BRD4-independent group 4 enhancer GRCh37_chr14:23884455-23885654; plus strand). Cytogenetic location: 14q11.2.
Variant type: single nucleotide variant.
Coding change: c.4701G>C on transcript NM_000257.4 (MANE Select); coding-DNA position 4701, G replaced by C.
Protein change: p.Gln1567His; replaces glutamine 1567 with histidine.
Molecular consequence: missense variant. On other transcripts: non-coding transcript variant (1).
Genome position (GRCh38, 1-based): chr14:23,416,256, C>G on the plus strand (G>C on the coding strand, the complement: MYH7 is on the minus strand). VCF-style: chr14-23416256-C-G. GRCh37 (hg19) VCF-style: chr14-23885465-C-G.
Other names: c.4701G>C, p.Gln1567His (NM_001407004.1); short protein forms Q1567H.
Identifiers: ClinVar variation 2773897 (VCV002773897.3), dbSNP rs1892204280, ClinGen allele CA389037825.

ClinVar aggregate classification (germline): Uncertain significance. Review status: criteria provided, multiple submitters, no conflicts (2 of 4 stars). 2 submissions from 2 submitters: Uncertain significance (2). Last evaluated 2024-03-07.

Conditions:
Cardiomyopathy (CMYO). Also called: Cardiomyopathies. Identifiers: Orphanet 167848, MedGen C0878544, MONDO:0004994, HP:0001638. Inheritance: Various modes of inheritance.

Allele frequency attached by ClinVar (database versions not stated): TOPMed below 0.00001.

Submissions (2):

Color Diagnostics, LLC DBA Color Health
Classification: Uncertain significance for Cardiomyopathy. Last evaluated: 2024-03-07. Review status: criteria provided, single submitter. Criteria: ACMG Guidelines, 2015. Collection method: clinical testing. Allele origin: germline.
Comment: This missense variant replaces glutamine with histidine at codon 1567 of the MYH7 protein. Computational prediction suggests that this variant may have deleterious impact on protein structure and function (internally defined REVEL score threshold >= 0.7, PMID: 27666373). To our knowledge, functional studies have not been reported for this variant. This variant has not been reported in individuals affected with cardiovascular disorders in the literature. This variant has not been identified in the general population by the Genome Aggregation Database (gnomAD). The available evidence is insufficient to determine the role of this variant in disease conclusively. Therefore, this variant is classified as a Variant of Uncertain Significance.

GeneDx
Classification: Uncertain significance. Last evaluated: 2023-09-06. Review status: criteria provided, single submitter. Criteria: GeneDx Variant Classification Process June 2021. Collection method: clinical testing. Allele origin: germline. Affected: yes.
Comment: Not observed at significant frequency in large population cohorts (gnomAD); In silico analysis supports that this missense variant has a deleterious effect on protein structure/function; Has not been previously published in association with cardiomyopathy to our knowledge; This variant is associated with the following publications: (PMID: 34542152)